The following is an entry in ClinVar:

ClinVar aggregate classification (germline): Uncertain significance. Review status: criteria provided, multiple submitters, no conflicts (2 of 4 stars). 2 submissions from 2 submitters: Uncertain significance (2). Last evaluated 2026-06-25.

Conditions:
Inborn genetic diseases. Identifiers: MedGen C0950123, MeSH D030342.

Submissions (2):

GeneDx
Classification: Uncertain significance. Last evaluated: 2026-06-25. Review status: criteria provided, single submitter. Criteria: GeneDx Variant Classification Process June 2021. Collection method: clinical testing. Allele origin: germline.
Comment: Not observed at significant frequency in large population cohorts (gnomAD); In silico analysis supports that this missense variant has a deleterious effect on protein structure/function; Has not been previously published as pathogenic or benign to our knowledge

Ambry Genetics
Classification: Uncertain significance for Inborn genetic diseases. Last evaluated: 2026-02-16. Review status: criteria provided, single submitter. Criteria: Ambry Variant Classification Scheme 2023. Collection method: clinical testing. Allele origin: germline.

NM_002585.4(PBX1):c.889A>G (p.Lys297Glu)

Gene: PBX1 (PBX homeobox 1; plus strand). Cytogenetic location: 1q23.3.
Variant type: single nucleotide variant.
Coding change: c.889A>G on transcript NM_002585.4 (MANE Select); coding-DNA position 889, A replaced by G.
Protein change: p.Lys297Glu; replaces lysine 297 with glutamic acid.
Molecular consequence: missense variant.
Genome position (GRCh38, 1-based): chr1:164,812,041, A>G. VCF-style: chr1-164812041-A-G. GRCh37 (hg19) VCF-style: chr1-164781278-A-G.
Other names: c.889A>G, p.Lys297Glu (NM_001204961.2, NM_001204963.2, NM_001353131.2); c.640A>G, p.Lys214Glu (NM_001353130.1); short protein forms K214E, K297E.
Identifiers: ClinVar variation 4687103 (VCV004687103.3).
Genomic context (GRCh38, chr1:164,812,041, plus strand): 5'-CTACTCTAGGTATCAAACTGGTTTGGAAATAAGCGAATCCGGTACAAGAAGAACATAGGT[A>G]AATTTCAAGAGGAAGCCAATATTTATGCTGCCAAAACAGCTGTCACTGCTACCAATGTGT-3'
Protein context (NP_002576.1, residues 287-307): KRIRYKKNIG[Lys297Glu]FQEEANIYAA